The following is an entry in ClinVar:

NM_000052.7(ATP7A):c.3894G>T (p.Met1298Ile)

Gene: ATP7A (ATPase copper transporting alpha; plus strand). Cytogenetic location: Xq21.1.
Variant type: single nucleotide variant.
Coding change: c.3894G>T on transcript NM_000052.7 (MANE Select); coding-DNA position 3894, G replaced by T.
Protein change: p.Met1298Ile; replaces methionine 1298 with isoleucine.
Molecular consequence: missense variant. On other transcripts: non-coding transcript variant (1).
Genome position (GRCh38, 1-based): chrX:78,042,677, G>T. VCF-style: chrX-78042677-G-T. GRCh37 (hg19) VCF-style: chrX-77298175-G-T.
Other names: c.3660G>T, p.Met1220Ile (NM_001282224.2); short protein forms M1220I, M1298I.
Identifiers: ClinVar variation 2946788 (VCV002946788.3), dbSNP rs782499160, ClinGen allele CA413605209.

ClinVar aggregate classification (germline): Uncertain significance (1 of 4 stars; one submission).

Conditions:
Menkes kinky-hair syndrome (MNK). Also called: Copper transport disease; Menkes Disease; Classic Menkes Disease. Identifiers: Orphanet 565, MedGen C0022716, MONDO:0010651, OMIM 309400.
Cutis laxa, X-linked (OHS). Also called: EDS IX; Occipital horn syndrome. Identifiers: Orphanet 198, MedGen C0268353, MONDO:0010572, OMIM 304150.
X-linked distal spinal muscular atrophy type 3. Also called: ATP7A-Related Distal Motor Neuropathy; SPINAL MUSCULAR ATROPHY, DISTAL, X-LINKED RECESSIVE; NEURONOPATHY, DISTAL HEREDITARY MOTOR, X-LINKED; NEUROPATHY, DISTAL HEREDITARY MOTOR, X-LINKED. Identifiers: Orphanet 139557, MedGen C1845359, MONDO:0010338, OMIM 300489.

Submission:

Labcorp Genetics (formerly Invitae), Labcorp
Classification: Uncertain significance for X-linked distal spinal muscular atrophy type 3; Cutis laxa, X-linked; Menkes kinky-hair syndrome. Last evaluated: 2023-04-15. Review status: criteria provided, single submitter. Criteria: Invitae Variant Classification Sherloc (09022015). Collection method: clinical testing. Allele origin: germline.
Comment: In summary, the available evidence is currently insufficient to determine the role of this variant in disease. Therefore, it has been classified as a Variant of Uncertain Significance. Advanced modeling of protein sequence and biophysical properties (such as structural, functional, and spatial information, amino acid conservation, physicochemical variation, residue mobility, and thermodynamic stability) performed at Invitae indicates that this missense variant is expected to disrupt ATP7A protein function. This variant has not been reported in the literature in individuals affected with ATP7A-related conditions. This variant is present in population databases (no rsID available, gnomAD 0.001%). This sequence change replaces methionine, which is neutral and non-polar, with isoleucine, which is neutral and non-polar, at codon 1298 of the ATP7A protein (p.Met1298Ile).